The following is an entry in ClinVar:

ClinVar aggregate classification (germline): Likely benign. Review status: criteria provided, multiple submitters, no conflicts (2 of 4 stars). 3 submissions from 3 submitters: Likely benign (3). Last evaluated 2025-09-15.

Conditions:
Inborn genetic diseases. Identifiers: MedGen C0950123, MeSH D030342.
Charcot-Marie-Tooth disease type 4. Also called: Charcot-Marie-Tooth disease, type IV; Charcot-Marie-Tooth, Type 4. Identifiers: Orphanet 64749, MedGen C4082197, MONDO:0018995.

Allele frequency attached by ClinVar (database versions not stated): gnomAD exomes 0.00004 and 0.00006; TOPMed 0.00004; ExAC 0.00005; gnomAD 0.00007.
gnomAD v4.1: 73 of 1,607,228 alleles (0.0045%); highest among the groups gnomAD compares: Middle Eastern, 0.016%; no homozygotes.

Submissions (3):

Labcorp Genetics (formerly Invitae), Labcorp
Classification: Likely benign for Charcot-Marie-Tooth disease type 4. Last evaluated: 2025-09-15. Review status: criteria provided, single submitter. Criteria: Invitae Variant Classification Sherloc (09022015). Collection method: clinical testing. Allele origin: germline.

Ambry Genetics
Classification: Likely benign for Inborn genetic diseases. Last evaluated: 2019-07-11. Review status: criteria provided, single submitter. Criteria: Ambry Variant Classification Scheme 2023. Collection method: clinical testing. Allele origin: germline.

GeneDx
Classification: Likely benign. Last evaluated: 2017-09-22. Review status: criteria provided, single submitter. Criteria: GeneDx Variant Classification (06012015). Collection method: clinical testing. Allele origin: germline. Affected: yes.
Comment: This variant is considered likely benign or benign based on one or more of the following criteria: it is a conservative change, it occurs at a poorly conserved position in the protein, it is predicted to be benign by multiple in silico algorithms, and/or has population frequency not consistent with disease.

NM_181882.3(PRX):c.102A>C (p.Val34=)

Genes: PRX (periaxin; minus strand), LOC130064454 (ATAC-STARR-seq lymphoblastoid active region 14650; plus strand). Cytogenetic location: 19q13.2.
Variant type: single nucleotide variant.
Coding change: c.102A>C on transcript NM_181882.3 (MANE Select); coding-DNA position 102, A replaced by C.
Protein change: p.Val34=; no amino-acid change (valine 34 retained).
Molecular consequence: synonymous variant.
Genome position (GRCh38, 1-based): chr19:40,403,788, T>G on the plus strand (A>C on the coding strand, the complement: PRX is on the minus strand). VCF-style: chr19-40403788-T-G. GRCh37 (hg19) VCF-style: chr19-40909695-T-G.
Other names: c.102A>C, p.Val34= (NM_020956.2).
Identifiers: ClinVar variation 512272 (VCV000512272.16), dbSNP rs761347226, ClinGen allele CA9444588.